The following is an entry in ClinVar:

ClinVar aggregate classification (germline): Conflicting classifications of pathogenicity. Review status: criteria provided, conflicting classifications (1 of 4 stars). 3 submissions from 3 submitters: Uncertain significance (2); Likely benign (1). Last evaluated 2026-01-06.

Conditions:
TNFRSF6B-related disorder. Also called: TNFRSF6B-related condition.

Allele frequency attached by ClinVar (database versions not stated): gnomAD exomes 0.00005 and 0.00008; ExAC 0.00009; 1000 Genomes Project 30x 0.00016; ESP Exome Variant Server 0.00016; 1000 Genomes Project 0.00020; gnomAD 0.00049 and 0.00050.
gnomAD v4.1: 162 of 1,611,082 alleles (0.01%); highest among the groups gnomAD compares: African/African-American, 0.099%; no homozygotes.

Submissions (3):

Labcorp Genetics (formerly Invitae), Labcorp
Classification: Uncertain significance. Last evaluated: 2026-01-06. Review status: criteria provided, single submitter. Criteria: Invitae Variant Classification Sherloc (09022015). Collection method: clinical testing. Allele origin: germline.
Comment: This sequence change replaces proline, which is neutral and non-polar, with leucine, which is neutral and non-polar, at codon 25 of the TNFRSF6B protein (p.Pro25Leu). This variant is present in population databases (rs375326054, gnomAD 0.08%), and has an allele count higher than expected for a pathogenic variant. This variant has not been reported in the literature in individuals affected with TNFRSF6B-related conditions. ClinVar contains an entry for this variant (Variation ID: 1524136). An algorithm developed to predict the effect of missense changes on protein structure and function outputs the following: PolyPhen-2: "Not Available". The leucine amino acid residue is found in multiple mammalian species, which suggests that this missense change does not adversely affect protein function. In summary, the available evidence is currently insufficient to determine the role of this variant in disease. Therefore, it has been classified as a Variant of Uncertain Significance.

PreventionGenetics, part of Exact Sciences
Classification: Uncertain significance for TNFRSF6B-related condition. Last evaluated: 2023-06-08. Review status: criteria provided, single submitter. Criteria: ACMG Guidelines, 2015. Collection method: clinical testing. Allele origin: germline.
Comment: The TNFRSF6B c.74C>T variant is predicted to result in the amino acid substitution p.Pro25Leu. To our knowledge, this variant has not been reported in the literature. This variant is reported in 0.080% of alleles in individuals of African descent in gnomAD. Although we suspect that this variant may be benign, at this time, the clinical significance of this variant is uncertain due to the absence of conclusive functional and genetic evidence.

Ambry Genetics
Classification: Likely benign. Last evaluated: 2022-03-16. Review status: criteria provided, single submitter. Criteria: Ambry Variant Classification Scheme 2023. Collection method: clinical testing. Allele origin: germline.

NM_003823.4(TNFRSF6B):c.74C>T (p.Pro25Leu)

Genes: RTEL1-TNFRSF6B (RTEL1-TNFRSF6B readthrough (NMD candidate); plus strand), TNFRSF6B (TNF receptor superfamily member 6b; plus strand). Cytogenetic location: 20q13.33.
Variant type: single nucleotide variant.
Coding change: c.74C>T on transcript NM_003823.4 (MANE Select); coding-DNA position 74, C replaced by T.
Protein change: p.Pro25Leu; replaces proline 25 with leucine.
Molecular consequence: missense variant. On other transcripts: non-coding transcript variant (1).
Genome position (GRCh38, 1-based): chr20:63,696,841, C>T. VCF-style: chr20-63696841-C-T. GRCh37 (hg19) VCF-style: chr20-62328194-C-T.
Other names: c.74C>T (NM_003823.3); short protein forms P25L.
Identifiers: ClinVar variation 1524136 (VCV001524136.7), dbSNP rs375326054, ClinGen allele CA9966307.